The following is an entry in ClinVar:

ClinVar aggregate classification (germline): Benign/Likely benign. Review status: criteria provided, multiple submitters, no conflicts (2 of 4 stars). 4 submissions from 4 submitters: Benign (1); Likely benign (3). Last evaluated 2025-12-23.

Conditions:
Familial cancer of breast. Also called: Hereditary breast cancer; hereditary breast carcinoma; BREAST CANCER, FAMILIAL. Identifiers: Orphanet 227535, MedGen C0346153, MONDO:0016419, OMIM 114480. Disease mechanism: loss of function.
Hereditary cancer-predisposing syndrome. Also called: Hereditary Cancer Syndrome; Hereditary neoplastic syndrome; Neoplastic Syndromes, Hereditary; Tumor predisposition. Identifiers: Orphanet 140162, MedGen C0027672, MeSH D009386, MONDO:0015356.

Submissions (4):

Labcorp Genetics (formerly Invitae), Labcorp
Classification: Likely benign for Familial cancer of breast. Last evaluated: 2025-12-23. Review status: criteria provided, single submitter. Criteria: Invitae Variant Classification Sherloc (09022015). Collection method: clinical testing. Allele origin: germline.

Myriad Genetics, Inc.
Classification: Benign for Familial cancer of breast. Last evaluated: 2025-01-21. Review status: criteria provided, single submitter. Criteria: Myriad Autosomal Dominant, Autosomal Recessive and X-Linked Classification Criteria (2023). Collection method: clinical testing. Allele origin: unknown.
Comment: This variant is considered benign. This variant is a silent/synonymous amino acid change and it is not expected to impact splicing.

GeneDx
Classification: Likely benign. Last evaluated: 2017-04-03. Review status: criteria provided, single submitter. Criteria: GeneDx Variant Classification (06012015). Collection method: clinical testing. Allele origin: germline. Affected: yes.
Comment: This variant is considered likely benign or benign based on one or more of the following criteria: it is a conservative change, it occurs at a poorly conserved position in the protein, it is predicted to be benign by multiple in silico algorithms, and/or has population frequency not consistent with disease.

Ambry Genetics
Classification: Likely benign for Hereditary cancer-predisposing syndrome. Last evaluated: 2016-09-08. Review status: criteria provided, single submitter. Criteria: Ambry Variant Classification Scheme 2023. Collection method: clinical testing. Allele origin: germline.

NM_024675.4(PALB2):c.3220C>T (p.Leu1074=)

Gene: PALB2 (partner and localizer of BRCA2; minus strand). Cytogenetic location: 16p12.2.
Variant type: single nucleotide variant.
Coding change: c.3220C>T on transcript NM_024675.4 (MANE Select); coding-DNA position 3220, C replaced by T.
Protein change: p.Leu1074=; no amino-acid change (leucine 1074 retained).
Molecular consequence: synonymous variant.
Genome position (GRCh38, 1-based): chr16:23,607,994, G>A on the plus strand (C>T on the coding strand, the complement: PALB2 is on the minus strand). VCF-style: chr16-23607994-G-A. GRCh37 (hg19) VCF-style: chr16-23619315-G-A.
Identifiers: ClinVar variation 389104 (VCV000389104.16), dbSNP rs1057523330, ClinGen allele CA16607332.